The following is an entry in ClinVar:

ClinVar aggregate classification (germline): Conflicting classifications of pathogenicity. Review status: criteria provided, conflicting classifications (1 of 4 stars). 4 submissions from 4 submitters: Uncertain significance (3); Likely benign (1). Last evaluated 2026-09-22.

Conditions:
Osteogenesis imperfecta type I (OI1). Also called: OI, TYPE I; OSTEOGENESIS IMPERFECTA TARDA; OSTEOGENESIS IMPERFECTA WITH BLUE SCLERAE; Lobstein's Disease; Lobstein disease; Classic Non-deforming Osteogenesis Imperfecta with Blue Sclerae. Identifiers: Orphanet 216796, Orphanet 666, MedGen C0023931, MONDO:0008146, OMIM 166200. Disease mechanism: loss of function.
COL1A1-related disorder. Also called: COL1A1-related condition; COL1A1- related disease.
Cardiovascular phenotype. Identifiers: MedGen CN230736.

Allele frequency attached by ClinVar (database versions not stated): gnomAD 0.00005; TOPMed 0.00004; ExAC 0.00001.
gnomAD v4.1: 64 of 1,613,500 alleles (0.004%); highest among the groups gnomAD compares: African/African-American, 0.0053%; no homozygotes.

Submissions (4):

PreventionGenetics, part of Exact Sciences
Classification: Uncertain significance for COL1A1-related condition. Last evaluated: 2026-09-22. Review status: criteria provided, single submitter. Criteria: ACMG Guidelines, 2015. Collection method: clinical testing. Allele origin: germline.
Comment: The COL1A1 c.3754C>T variant is predicted to result in the amino acid substitution p.Arg1252Cys. To our knowledge, this variant has not been reported in the literature. This variant is reported in 0.0026% of alleles in individuals of European (Non-Finnish) descent in gnomAD. At this time, the clinical significance of this variant is uncertain due to the absence of conclusive functional and genetic evidence.

Ambry Genetics
Classification: Uncertain significance for Cardiovascular phenotype. Last evaluated: 2026-09-01. Review status: criteria provided, single submitter. Criteria: Ambry Variant Classification Scheme 2023. Collection method: clinical testing. Allele origin: germline.
Comment: The p.R1252C variant (also known as c.3754C>T), located in coding exon 48 of the COL1A1 gene, results from a C to T substitution at nucleotide position 3754. The arginine at codon 1252 is replaced by cysteine, an amino acid with highly dissimilar properties. This amino acid position is not well conserved in available vertebrate species. In addition, the in silico prediction for this alteration is inconclusive. Based on the available evidence, the clinical significance of this variant remains unclear.

GeneDx
Classification: Uncertain significance. Last evaluated: 2026-02-15. Review status: criteria provided, single submitter. Criteria: GeneDx Variant Classification Process June 2021. Collection method: clinical testing. Allele origin: germline. Affected: yes.
Comment: Not observed at significant frequency in large population cohorts (gnomAD); Not located in the triple helical region, where the majority of pathogenic missense variants occur (HGMD); In silico analysis supports that this missense variant has a deleterious effect on protein structure/function; Has not been previously published as pathogenic or benign to our knowledge; This variant is associated with the following publications: (PMID: 24077912)

Labcorp Genetics (formerly Invitae), Labcorp
Classification: Likely benign for Osteogenesis imperfecta type I. Last evaluated: 2025-12-03. Review status: criteria provided, single submitter. Criteria: Invitae Variant Classification Sherloc (09022015). Collection method: clinical testing. Allele origin: germline.

NM_000088.4(COL1A1):c.3754C>T (p.Arg1252Cys)

Gene: COL1A1 (collagen type I alpha 1 chain; minus strand). Cytogenetic location: 17q21.33.
Variant type: single nucleotide variant.
Coding change: c.3754C>T on transcript NM_000088.4 (MANE Select); coding-DNA position 3754, C replaced by T.
Protein change: p.Arg1252Cys; replaces arginine 1252 with cysteine.
Molecular consequence: missense variant.
Genome position (GRCh38, 1-based): chr17:50,186,700, G>A on the plus strand (C>T on the coding strand, the complement: COL1A1 is on the minus strand). VCF-style: chr17-50186700-G-A. GRCh37 (hg19) VCF-style: chr17-48264061-G-A.
Other names: short protein forms R1252C.
Identifiers: ClinVar variation 1037654 (VCV001037654.14), dbSNP rs781614679, ClinGen allele CA8644364.